The following is an entry in ClinVar:

NM_001999.4(FBN2):c.8049G>A (p.Gly2683=)

Gene: FBN2 (fibrillin 2; minus strand). Cytogenetic location: 5q23.3.
Variant type: single nucleotide variant.
Coding change: c.8049G>A on transcript NM_001999.4 (MANE Select); coding-DNA position 8049, G replaced by A.
Protein change: p.Gly2683=; no amino-acid change (glycine 2683 retained).
Molecular consequence: synonymous variant.
Genome position (GRCh38, 1-based): chr5:128,263,568, C>T on the plus strand (G>A on the coding strand, the complement: FBN2 is on the minus strand). VCF-style: chr5-128263568-C-T. GRCh37 (hg19) VCF-style: chr5-127599260-C-T.
Other names: p.G2683G:GGG>GGA.
Identifiers: ClinVar variation 137353 (VCV000137353.58), dbSNP rs138044126, ClinGen allele CA290899.

ClinVar aggregate classification (germline): Benign/Likely benign. Review status: criteria provided, multiple submitters, no conflicts (2 of 4 stars). 11 submissions from 11 submitters: Benign (6); Likely benign (3). 2 of the submissions do not count toward it. Last evaluated 2026-09-01.

Conditions:
Congenital contractural arachnodactyly (CCA). Also called: BEALS SYNDROME; Beals-Hecht syndrome; Arthrogryposis, distal, type 9. Identifiers: Orphanet 115, MedGen C0220668, MONDO:0007363, OMIM 121050.
Familial thoracic aortic aneurysm and aortic dissection (TAAD). Also called: Thoracic aortic aneurysms and dissections. Identifiers: Orphanet 91387, MedGen C4707243, MONDO:0019625.

Allele frequency attached by ClinVar (database versions not stated): gnomAD 0.00020 and 0.00040; TOPMed 0.00024; ESP Exome Variant Server 0.00031; 1000 Genomes Project 30x 0.00109; 1000 Genomes Project 0.00120.
gnomAD v4.1: 1,172 of 1,614,110 alleles (0.073%); highest among the groups gnomAD compares: South Asian, 0.73%; 10 homozygotes.

Submissions (11):

CeGaT Center for Human Genetics Tuebingen
Classification: Likely benign. Last evaluated: 2026-09-01. Review status: criteria provided, single submitter. Criteria: CeGaT Center For Human Genetics Tuebingen Variant Classification Criteria Version 2. Collection method: clinical testing. Allele origin: germline. Affected: yes. Observed: 9 variant alleles.
Comment: FBN2: BP4, BP7

Labcorp Genetics (formerly Invitae), Labcorp
Classification: Benign for Congenital contractural arachnodactyly. Last evaluated: 2026-01-21. Review status: criteria provided, single submitter. Criteria: Invitae Variant Classification Sherloc (09022015). Collection method: clinical testing. Allele origin: germline.

Blueprint Genetics
Classification: Benign. Last evaluated: 2024-11-18. Review status: criteria provided, single submitter. Criteria: ACMG Guidelines, 2015. Collection method: clinical testing. Allele origin: germline.

Women's Health and Genetics/Laboratory Corporation of America, LabCorp
Classification: Benign. Last evaluated: 2023-07-21. Review status: criteria provided, single submitter. Criteria: LabCorp Variant Classification Summary - May 2015. Collection method: clinical testing. Allele origin: germline.

Illumina Laboratory Services, Illumina
Classification: Benign for Congenital contractural arachnodactyly. Last evaluated: 2018-01-13. Review status: criteria provided, single submitter. Criteria: ICSL Variant Classification Criteria 13 December 2019. Collection method: clinical testing. Allele origin: germline.
Comment: This variant was observed in the ICSL laboratory as part of a predisposition screen in an ostensibly healthy population. It had not been previously curated by ICSL or reported in the Human Gene Mutation Database (HGMD: prior to June 1st, 2018), and was therefore a candidate for classification through an automated scoring system. Utilizing variant allele frequency, disease prevalence and penetrance estimates, and inheritance mode, an automated score was calculated to assess if this variant is too frequent to cause the disease. Based on the score and internal cut-off values, a variant classified as benign is not then subjected to further curation. The score for this variant resulted in a classification of benign for this disease.

Ambry Genetics
Classification: Benign for Familial thoracic aortic aneurysm and aortic dissection. Last evaluated: 2016-05-06. Review status: criteria provided, single submitter. Criteria: Ambry Variant Classification Scheme 2023. Collection method: clinical testing. Allele origin: germline.

GeneDx
Classification: Benign. Last evaluated: 2014-05-19. Review status: criteria provided, single submitter. Criteria: GeneDx Variant Classification (06012015). Collection method: clinical testing. Allele origin: germline. Affected: yes.
Comment: This variant is considered likely benign or benign based on one or more of the following criteria: it is a conservative change, it occurs at a poorly conserved position in the protein, it is predicted to be benign by multiple in silico algorithms, and/or has population frequency not consistent with disease.

Breakthrough Genomics
Classification: Likely benign. Review status: criteria provided, single submitter. Criteria: ACMG Guidelines, 2015. Collection method: not provided. Allele origin: germline. Inheritance: Autosomal dominant inheritance. Affected: yes.

PreventionGenetics, part of Exact Sciences
Classification: Likely benign. Review status: criteria provided, single submitter. Criteria: ACMG Guidelines, 2015. Collection method: clinical testing. Allele origin: germline.

Clinical Genetics DNA and cytogenetics Diagnostics Lab, Erasmus MC, Erasmus Medical Center
Classification: Likely benign. Review status: no assertion criteria provided. Collection method: clinical testing. Allele origin: germline. Affected: yes. Study: VKGL Data-share Consensus. Not counted in ClinVar's aggregate classification.

Genome Diagnostics Laboratory, Amsterdam University Medical Center
Classification: Likely benign. Review status: no assertion criteria provided. Collection method: clinical testing. Allele origin: germline. Affected: yes. Study: VKGL Data-share Consensus. Not counted in ClinVar's aggregate classification.